The following is an entry in ClinVar:

ClinVar aggregate classification (germline): Uncertain significance (1 of 4 stars; one submission).

Submission:

Labcorp Genetics (formerly Invitae), Labcorp
Classification: Uncertain significance. Last evaluated: 2022-03-23. Review status: criteria provided, single submitter. Criteria: Invitae Variant Classification Sherloc (09022015). Collection method: clinical testing. Allele origin: germline.
Comment: In summary, the available evidence is currently insufficient to determine the role of this variant in disease. Therefore, it has been classified as a Variant of Uncertain Significance. Algorithms developed to predict the effect of missense changes on protein structure and function are either unavailable or do not agree on the potential impact of this missense change (SIFT: "Tolerated"; PolyPhen-2: "Possibly Damaging"; Align-GVGD: "Class C0"). This variant has not been reported in the literature in individuals affected with ALPK3-related conditions. This variant is not present in population databases (gnomAD no frequency). This sequence change replaces alanine, which is neutral and non-polar, with glycine, which is neutral and non-polar, at codon 392 of the ALPK3 protein (p.Ala392Gly).

NM_020778.5(ALPK3):c.569C>G (p.Ala190Gly)

Gene: ALPK3 (alpha kinase 3; plus strand). Cytogenetic location: 15q25.3.
Variant type: single nucleotide variant.
Coding change: c.569C>G on transcript NM_020778.5 (MANE Select); coding-DNA position 569, C replaced by G.
Protein change: p.Ala190Gly; replaces alanine 190 with glycine.
Molecular consequence: missense variant.
Genome position (GRCh38, 1-based): chr15:84,839,848, C>G. VCF-style: chr15-84839848-C-G. GRCh37 (hg19) VCF-style: chr15-85383079-C-G.
Other names: short protein forms A190G.
Identifiers: ClinVar variation 1487748 (VCV001487748.8), dbSNP rs751010387, ClinGen allele CA393372931.
Genomic context (GRCh38, chr15:84,839,848, plus strand): 5'-GCACCATGACTGAGTACAAGATCCACCAGCGCTGGTTCGCCAAGTTGAAGCGCAAGGCTG[C>G]GGCAAAGCTGCGCGAGATCGAGCAGAGCTGGAAGCACGAGAAGGCGGTGCCTGGGGAGGT-3'
Protein context (NP_065829.4, residues 180-200): RWFAKLKRKA[Ala190Gly]AKLREIEQSW